The following is an entry in ClinVar:

NM_005215.4(DCC):c.3238A>G (p.Ile1080Val)

Gene: DCC (DCC netrin 1 receptor; plus strand). Cytogenetic location: 18q21.2.
Variant type: single nucleotide variant.
Coding change: c.3238A>G on transcript NM_005215.4 (MANE Select); coding-DNA position 3238, A replaced by G.
Protein change: p.Ile1080Val; replaces isoleucine 1080 with valine.
Molecular consequence: missense variant.
Genome position (GRCh38, 1-based): chr18:53,450,508, A>G. VCF-style: chr18-53450508-A-G. GRCh37 (hg19) VCF-style: chr18-50976878-A-G.
Other names: short protein forms I1080V.
Identifiers: ClinVar variation 2366933 (VCV002366933.4), dbSNP rs906133735, ClinGen allele CA300863548.

ClinVar aggregate classification (germline): Uncertain significance. Review status: criteria provided, multiple submitters, no conflicts (2 of 4 stars). 3 submissions from 3 submitters: Uncertain significance (3). Last evaluated 2026-03-07.

Conditions:
DCC-related disorder. Also called: DCC-related condition.
Inborn genetic diseases. Identifiers: MedGen C0950123, MeSH D030342.

Allele frequency attached by ClinVar (database versions not stated): gnomAD exomes 0.00001; gnomAD 0.00006; TOPMed 0.00008.
gnomAD v4.1: 24 of 1,613,812 alleles (0.0015%); highest among the groups gnomAD compares: African/African-American, 0.013%; no homozygotes.

Submissions (3):

PreventionGenetics, part of Exact Sciences
Classification: Uncertain significance for DCC-related condition. Last evaluated: 2026-03-07. Review status: criteria provided, single submitter. Criteria: ACMG Guidelines, 2015. Collection method: clinical testing. Allele origin: germline.
Comment: The DCC c.3238A>G variant is predicted to result in the amino acid substitution p.Ile1080Val. To our knowledge, this variant has not been reported in the literature. This variant is reported in 0.020% of alleles in individuals of African descent in gnomAD. At this time, the clinical significance of this variant is uncertain due to the absence of conclusive functional and genetic evidence.

GeneDx
Classification: Uncertain significance. Last evaluated: 2023-11-19. Review status: criteria provided, single submitter. Criteria: GeneDx Variant Classification Process June 2021. Collection method: clinical testing. Allele origin: germline. Affected: yes.
Comment: In silico analysis supports that this missense variant does not alter protein structure/function; Has not been previously published as pathogenic or benign to our knowledge

Ambry Genetics
Classification: Uncertain significance for Inborn genetic diseases. Last evaluated: 2021-09-27. Review status: criteria provided, single submitter. Criteria: Ambry Variant Classification Scheme 2023. Collection method: clinical testing. Allele origin: germline.